The following is an entry in ClinVar:

NM_000553.6(WRN):c.1269+4C>G

Gene: WRN (WRN RecQ like helicase; plus strand). Cytogenetic location: 8p12.
Variant type: single nucleotide variant.
Coding change: c.1269+4C>G on transcript NM_000553.6 (MANE Select); 4 bases into the intron after coding-DNA position 1269, C replaced by G.
Molecular consequence: intron variant.
Genome position (GRCh38, 1-based): chr8:31,081,300, C>G. VCF-style: chr8-31081300-C-G. GRCh37 (hg19) VCF-style: chr8-30938816-C-G.
Identifiers: ClinVar variation 843662 (VCV000843662.5), dbSNP rs763511810, ClinGen allele CA4704280.

ClinVar aggregate classification (germline): Uncertain significance (1 of 4 stars; one submission).

Conditions:
Werner syndrome (WRN). Identifiers: Orphanet 902, MedGen C0043119, MONDO:0010196, OMIM 277700.

Allele frequency attached by ClinVar (database versions not stated): gnomAD below 0.00001 and 0.00001; ExAC 0.00002; gnomAD exomes 0.00002 and 0.00004.
gnomAD v4.1: 30 of 1,612,896 alleles (0.0019%); highest among the groups gnomAD compares: South Asian, 0.033%; no homozygotes.

Submission:

Labcorp Genetics (formerly Invitae), Labcorp
Classification: Uncertain significance for Werner syndrome. Last evaluated: 2024-03-01. Review status: criteria provided, single submitter. Criteria: Invitae Variant Classification Sherloc (09022015). Collection method: clinical testing. Allele origin: germline.
Comment: This sequence change falls in intron 9 of the WRN gene. It does not directly change the encoded amino acid sequence of the WRN protein. It affects a nucleotide within the consensus splice site. This variant is present in population databases (rs763511810, gnomAD 0.03%). This variant has not been reported in the literature in individuals affected with WRN-related conditions. ClinVar contains an entry for this variant (Variation ID: 843662). Variants that disrupt the consensus splice site are a relatively common cause of aberrant splicing (PMID: 17576681, 9536098). Algorithms developed to predict the effect of sequence changes on RNA splicing suggest that this variant may disrupt the consensus splice site. In summary, the available evidence is currently insufficient to determine the role of this variant in disease. Therefore, it has been classified as a Variant of Uncertain Significance.

Literature cited by the submitters: PubMed 17576681; PubMed 9536098.